The following is an entry in ClinVar:

ClinVar aggregate classification (germline): Pathogenic (1 of 4 stars; one submission).

Conditions:
Hyperphosphatasia with impaired intellectual development syndrome 2. Also called: GLYCOSYLPHOSPHATIDYLINOSITOL BIOSYNTHESIS DEFECT 6; Hyperphosphatasia with intellectual disability syndrome 2. Identifiers: Orphanet 247262, MedGen C3553637, MONDO:0013882, OMIM 614749.

Submission:

Labcorp Genetics (formerly Invitae), Labcorp
Classification: Pathogenic for Hyperphosphatasia with impaired intellectual development syndrome 2. Last evaluated: 2024-08-11. Review status: criteria provided, single submitter. Criteria: Invitae Variant Classification Sherloc (09022015). Collection method: clinical testing. Allele origin: germline.
Comment: This sequence change creates a premature translational stop signal (p.Arg450Alafs*35) in the PIGO gene. It is expected to result in an absent or disrupted protein product. Loss-of-function variants in PIGO are known to be pathogenic (PMID: 22683086, 24417746). This variant is not present in population databases (gnomAD no frequency). This variant has not been reported in the literature in individuals affected with PIGO-related conditions. For these reasons, this variant has been classified as Pathogenic.

Literature cited by the submitters: PubMed 22683086; PubMed 24417746.

NM_032634.4(PIGO):c.1348del (p.Arg450fs)

Gene: PIGO (phosphatidylinositol glycan anchor biosynthesis class O; minus strand). Cytogenetic location: 9p13.3.
Variant type: Deletion.
Coding change: c.1348del on transcript NM_032634.4 (MANE Select); coding-DNA position 1348, one base deleted (C; older notation c.1348delC).
Protein change: p.Arg450fs; shifts the reading frame from arginine 450.
Molecular consequence: frameshift variant. On other transcripts: intron variant (2).
Genome position (GRCh38, 1-based): chr9:35,092,539, G deleted on the plus strand (C on the coding strand, the reverse complement: PIGO is on the minus strand); the first of 2 consecutive G bases (chr9:35,092,539-35,092,540); deleting either gives the same sequence. VCF-style (leftmost placement, unchanged base first): chr9-35092538-CG-C. GRCh37 (hg19) VCF-style: chr9-35092535-CG-C.
Other names: c.1344+4del (NM_152850.4, NM_001201484.2); short protein forms R450fs.
Identifiers: ClinVar variation 3686295 (VCV003686295.2).